The following is an entry in ClinVar:

NM_080680.3(COL11A2):c.3385G>A (p.Gly1129Arg)

Gene: COL11A2 (collagen type XI alpha 2 chain; minus strand). Cytogenetic location: 6p21.32.
Variant type: single nucleotide variant.
Coding change: c.3385G>A on transcript NM_080680.3 (MANE Select); coding-DNA position 3385, G replaced by A.
Protein change: p.Gly1129Arg; replaces glycine 1129 with arginine.
Molecular consequence: missense variant.
Genome position (GRCh38, 1-based): chr6:33,170,899, C>T on the plus strand (G>A on the coding strand, the complement: COL11A2 is on the minus strand). VCF-style: chr6-33170899-C-T. GRCh37 (hg19) VCF-style: chr6-33138676-C-T.
Other names: c.3064G>A, p.Gly1022Arg (NM_080679.3); c.3127G>A, p.Gly1043Arg (NM_080681.3); short protein forms G1129R, G1022R, G1043R.
Identifiers: ClinVar variation 813821 (VCV000813821.6), dbSNP rs550153707, ClinGen allele CA137066913.

ClinVar aggregate classification (germline): Pathogenic/Likely pathogenic. Review status: criteria provided, multiple submitters, no conflicts (2 of 4 stars). 2 submissions from 2 submitters: Pathogenic (1); Likely pathogenic (1). Last evaluated 2022-09-15.

Conditions:
Autosomal recessive nonsyndromic hearing loss 53. Identifiers: Orphanet 90636, MedGen C1864746, MONDO:0012333, OMIM 609706.

Allele frequency attached by ClinVar (database versions not stated): gnomAD exomes below 0.00001; 1000 Genomes Project 0.00020; gnomAD 0.00001; 1000 Genomes Project 30x 0.00016.
gnomAD v4.1: 2 of 1,612,914 alleles (0.00012%); highest among the groups gnomAD compares: Non-Finnish European, 0.00017%; no homozygotes.

Submissions (2):

Labcorp Genetics (formerly Invitae), Labcorp
Classification: Pathogenic. Last evaluated: 2022-09-15. Review status: criteria provided, single submitter. Criteria: Invitae Variant Classification Sherloc (09022015). Collection method: clinical testing. Allele origin: germline.
Comment: This sequence change replaces glycine, which is neutral and non-polar, with arginine, which is basic and polar, at codon 1129 of the COL11A2 protein (p.Gly1129Arg). This variant is not present in population databases (gnomAD no frequency). This missense change has been observed in individual(s) with autosomal recessive deafness (PMID: 33111345). In at least one individual the data is consistent with being in trans (on the opposite chromosome) from a pathogenic variant. It has also been observed to segregate with disease in related individuals. ClinVar contains an entry for this variant (Variation ID: 813821). Advanced modeling of protein sequence and biophysical properties (such as structural, functional, and spatial information, amino acid conservation, physicochemical variation, residue mobility, and thermodynamic stability) performed at Invitae indicates that this missense variant is expected to disrupt COL11A2 protein function. For these reasons, this variant has been classified as Pathogenic.

Laboratory of Prof. Karen Avraham, Tel Aviv University
Classification: Likely pathogenic for Autosomal recessive nonsyndromic hearing loss 53. Last evaluated: 2018-05-07. Review status: criteria provided, single submitter. Criteria: ACMG Guidelines, 2015. Collection method: research. Allele origin: germline. Affected: yes.
Comment: Recessive, compound heterozygous with NM_080680.2:[c.967insC]; congenital, moderate-severe high tone NSHL

Literature cited by the submitters: PubMed 33111345 (cited by Labcorp Genetics (formerly Invitae), Labcorp).